The following is an entry in ClinVar:

ClinVar aggregate classification (germline): Uncertain significance. Review status: criteria provided, multiple submitters, no conflicts (2 of 4 stars). 7 submissions from 7 submitters: Uncertain significance (5). 2 of the submissions do not count toward it. Last evaluated 2024-12-02.

Conditions:
Walker-Warburg congenital muscular dystrophy. Also called: Muscular dystrophy-dystroglycanopathy, type A; Walker-Warburg syndrome. Identifiers: Orphanet 899, MedGen C0265221, MONDO:0000171.
Cardiovascular phenotype. Identifiers: MedGen CN230736.
Autosomal recessive limb-girdle muscular dystrophy type 2I. Also called: MUSCULAR DYSTROPHY-DYSTROGLYCANOPATHY, LIMB-GIRDLE, FRKP-RELATED; MUSCULAR DYSTROPHY-DYSTROGLYCANOPATHY (LIMB-GIRDLE), TYPE C, 5; MUSCULAR DYSTROPHY, LIMB-GIRDLE, TYPE 2I. Identifiers: Orphanet 34515, MedGen C1846672, MONDO:0011787, OMIM 607155.
Muscular dystrophy-dystroglycanopathy (congenital with brain and eye anomalies), type A5. Also called: WALKER-WARBURG SYNDROME OR MUSCLE-EYE-BRAIN DISEASE, FKRP-RELATED; MUSCULAR DYSTROPHY-DYSTROGLYCANOPATHY (CONGENITAL WITH BRAIN AND EYE ANOMALIES), TYPE A, 5. Identifiers: Orphanet 588, Orphanet 899, MedGen C3150413, MONDO:0013157, OMIM 613153.
Muscular dystrophy-dystroglycanopathy (congenital with brain and eye anomalies), type A1 (MDDGA1). Also called: COD-MD SYNDROME; WALKER-WARBURG SYNDROME OR MUSCLE-EYE-BRAIN DISEASE, POMT1-RELATED; Hydrocephalus, agyria and retinal dysplasia; Hard +/- E syndrome; Warburg syndrome; Chemke syndrome. Identifiers: Orphanet 588, Orphanet 899, MedGen C4284790, MONDO:0009364, OMIM 236670.
Muscular dystrophy-dystroglycanopathy type B5 (MDDGB5). Also called: MUSCULAR DYSTROPHY-DYSTROGLYCANOPATHY (CONGENITAL WITH OR WITHOUT IMPAIRED INTELLECTUAL DEVELOPMENT), TYPE B, 5; MUSCULAR DYSTROPHY, CONGENITAL, 1C; MUSCULAR DYSTROPHY, CONGENITAL, FKRP-RELATED. Identifiers: MedGen C1847759, MONDO:0011688, OMIM 606612.

Allele frequency attached by ClinVar (database versions not stated): TOPMed 0.00001; gnomAD 0.00001; gnomAD exomes 0.00001; ExAC below 0.00001.
gnomAD v4.1: 27 of 1,489,746 alleles (0.0018%); highest among the groups gnomAD compares: Non-Finnish European, 0.0022%; no homozygotes.

Submissions (7):

Labcorp Genetics (formerly Invitae), Labcorp
Classification: Uncertain significance for Walker-Warburg congenital muscular dystrophy. Last evaluated: 2024-12-02. Review status: criteria provided, single submitter. Criteria: Invitae Variant Classification Sherloc (09022015). Collection method: clinical testing. Allele origin: germline.
Comment: This sequence change replaces alanine, which is neutral and non-polar, with aspartic acid, which is acidic and polar, at codon 135 of the FKRP protein (p.Ala135Asp). The frequency data for this variant in the population databases is considered unreliable, as metrics indicate poor data quality at this position in the gnomAD database. This variant has not been reported in the literature in individuals affected with FKRP-related conditions. ClinVar contains an entry for this variant (Variation ID: 96109). Invitae Evidence Modeling of protein sequence and biophysical properties (such as structural, functional, and spatial information, amino acid conservation, physicochemical variation, residue mobility, and thermodynamic stability) has been performed for this missense variant. However, the output from this modeling did not meet the statistical confidence thresholds required to predict the impact of this variant on FKRP protein function. In summary, the available evidence is currently insufficient to determine the role of this variant in disease. Therefore, it has been classified as a Variant of Uncertain Significance.

Ambry Genetics
Classification: Uncertain significance for Cardiovascular phenotype. Last evaluated: 2024-04-22. Review status: criteria provided, single submitter. Criteria: Ambry Variant Classification Scheme 2023. Collection method: clinical testing. Allele origin: germline.
Comment: The p.A135D variant (also known as c.404C>A), located in coding exon 1 of the FKRP gene, results from a C to A substitution at nucleotide position 404. The alanine at codon 135 is replaced by aspartic acid, an amino acid with dissimilar properties. This alteration has been reported in a pediatric dilated cardiomyopathy (DCM) cohort (Khan RS et al. J Am Heart Assoc, 2022 Jan;11:e022854). This amino acid position is highly conserved in available vertebrate species. In addition, the in silico prediction for this alteration is inconclusive. Based on the available evidence, the clinical significance of this variant remains unclear.

Fulgent Genetics
Classification: Uncertain significance for Muscular dystrophy-dystroglycanopathy (congenital with brain and eye anomalies), type A1; Muscular dystrophy-dystroglycanopathy type B5; Autosomal recessive limb-girdle muscular dystrophy type 2I; Muscular dystrophy-dystroglycanopathy (congenital with brain and eye anomalies), type A5. Last evaluated: 2021-09-24. Review status: criteria provided, single submitter. Criteria: ACMG Guidelines, 2015. Collection method: clinical testing. Allele origin: unknown.

GeneDx
Classification: Uncertain significance. Last evaluated: 2020-07-13. Review status: criteria provided, single submitter. Criteria: GeneDx Variant Classification Process June 2021. Collection method: clinical testing. Allele origin: germline. Affected: yes.
Comment: Not observed at a significant frequency in large population cohorts (Lek et al., 2016); Missense variants in this gene are often considered pathogenic (Stenson et al., 2014); In silico analysis supports that this missense variant does not alter protein structure/function; Has not been previously published as pathogenic or benign to our knowledge

Eurofins Ntd Llc (ga)
Classification: Uncertain significance. Last evaluated: 2013-08-28. Review status: criteria provided, single submitter. Criteria: EGL Classification Definitions 2015. Collection method: clinical testing. Allele origin: germline. Observed: 1 variant allele, 1 heterozygote.

Natera, Inc.
Classification: Uncertain significance for Limb-girdle muscular dystrophy type 2I. Last evaluated: 2020-01-17. Review status: no assertion criteria provided. Collection method: clinical testing. Allele origin: germline. Not counted in ClinVar's aggregate classification.

Counsyl
Classification: Uncertain significance for Autosomal recessive limb-girdle muscular dystrophy type 2I. Last evaluated: 2018-03-14. Review status: no assertion criteria provided. Collection method: clinical testing. Allele origin: unknown. Not counted in ClinVar's aggregate classification.

Literature cited by the submitters: PubMed 34935411 (cited by Ambry Genetics).

NM_024301.5(FKRP):c.404C>A (p.Ala135Asp)

Gene: FKRP (fukutin related protein; plus strand). Cytogenetic location: 19q13.32.
Variant type: single nucleotide variant.
Coding change: c.404C>A on transcript NM_024301.5 (MANE Select); coding-DNA position 404, C replaced by A.
Protein change: p.Ala135Asp; replaces alanine 135 with aspartic acid.
Molecular consequence: missense variant.
Genome position (GRCh38, 1-based): chr19:46,755,854, C>A. VCF-style: chr19-46755854-C-A. GRCh37 (hg19) VCF-style: chr19-47259111-C-A.
Other names: c.404C>A, p.Ala135Asp (NM_001039885.3); short protein forms A135D.
Identifiers: ClinVar variation 96109 (VCV000096109.24), dbSNP rs398124392, ClinGen allele CA223739.